The following is an entry in ClinVar:

ClinVar aggregate classification (germline): Uncertain significance (1 of 4 stars; one submission).

Submission:

GeneDx
Classification: Uncertain significance. Last evaluated: 2023-05-21. Review status: criteria provided, single submitter. Criteria: GeneDx Variant Classification Process June 2021. Collection method: clinical testing. Allele origin: germline. Affected: yes.
Comment: Not observed at significant frequency in large population cohorts (gnomAD); In silico analysis supports that this missense variant has a deleterious effect on protein structure/function; Has not been previously published as pathogenic or benign to our knowledge

NM_004370.6(COL12A1):c.7195G>A (p.Gly2399Arg)

Genes: COL12A1 (collagen type XII alpha 1 chain; minus strand), LOC126859712 (MED14-independent group 3 enhancer GRCh37_chr6:75828643-75829842; plus strand). Cytogenetic location: 6q13.
Variant type: single nucleotide variant.
Coding change: c.7195G>A on transcript NM_004370.6 (MANE Select); coding-DNA position 7195, G replaced by A.
Protein change: p.Gly2399Arg; replaces glycine 2399 with arginine.
Molecular consequence: missense variant.
Genome position (GRCh38, 1-based): chr6:75,119,365, C>T on the plus strand (G>A on the coding strand, the complement: COL12A1 is on the minus strand). VCF-style: chr6-75119365-C-T. GRCh37 (hg19) VCF-style: chr6-75829081-C-T.
Other names: c.7195G>A, p.Gly2399Arg (NM_001424113.1); c.7174G>A, p.Gly2392Arg (NM_001424114.1); c.6922G>A, p.Gly2308Arg (NM_001424115.1); c.3703G>A, p.Gly1235Arg (NM_001424116.1, NM_080645.3); short protein forms G1235R, G2308R, G2392R, G2399R.
Identifiers: ClinVar variation 3343837 (VCV003343837.1).